The following is an entry in ClinVar:

ClinVar aggregate classification (germline): Uncertain significance (1 of 4 stars; one submission).

Allele frequency attached by ClinVar (database versions not stated): gnomAD exomes below 0.00001.
gnomAD v4.1: 4 of 1,551,642 alleles (0.00026%); highest among the groups gnomAD compares: African/African-American, 0.0014%; no homozygotes.

Submission:

Labcorp Genetics (formerly Invitae), Labcorp
Classification: Uncertain significance. Last evaluated: 2024-12-16. Review status: criteria provided, single submitter. Criteria: Invitae Variant Classification Sherloc (09022015). Collection method: clinical testing. Allele origin: germline.
Comment: This sequence change replaces glycine, which is neutral and non-polar, with arginine, which is basic and polar, at codon 65 of the KPNA7 protein (p.Gly65Arg). This variant is not present in population databases (gnomAD no frequency). This variant has not been reported in the literature in individuals affected with KPNA7-related conditions. ClinVar contains an entry for this variant (Variation ID: 1477993). Invitae Evidence Modeling of protein sequence and biophysical properties (such as structural, functional, and spatial information, amino acid conservation, physicochemical variation, residue mobility, and thermodynamic stability) indicates that this missense variant is not expected to disrupt KPNA7 protein function with a negative predictive value of 80%. In summary, the available evidence is currently insufficient to determine the role of this variant in disease. Therefore, it has been classified as a Variant of Uncertain Significance.

NM_001145715.3(KPNA7):c.193G>A (p.Gly65Arg)

Gene: KPNA7 (karyopherin subunit alpha 7; minus strand). Cytogenetic location: 7q22.1.
Variant type: single nucleotide variant.
Coding change: c.193G>A on transcript NM_001145715.3 (MANE Select); coding-DNA position 193, G replaced by A.
Protein change: p.Gly65Arg; replaces glycine 65 with arginine.
Molecular consequence: missense variant.
Genome position (GRCh38, 1-based): chr7:99,203,114, C>T on the plus strand (G>A on the coding strand, the complement: KPNA7 is on the minus strand). VCF-style: chr7-99203114-C-T. GRCh37 (hg19) VCF-style: chr7-98800737-C-T.
Other names: short protein forms G65R.
Identifiers: ClinVar variation 1477993 (VCV001477993.8), dbSNP rs1563086894, ClinGen allele CA368421109.